The following is an entry in ClinVar:

ClinVar aggregate classification (germline): Uncertain significance (1 of 4 stars; one submission).

Conditions:
Hereditary cancer-predisposing syndrome. Also called: Tumor predisposition; Hereditary neoplastic syndrome; Neoplastic Syndromes, Hereditary; Hereditary Cancer Syndrome. Identifiers: Orphanet 140162, MedGen C0027672, MeSH D009386, MONDO:0015356.

Submission:

Ambry Genetics
Classification: Uncertain significance for Hereditary cancer-predisposing syndrome. Last evaluated: 2025-04-05. Review status: criteria provided, single submitter. Criteria: Ambry Variant Classification Scheme 2023. Collection method: clinical testing. Allele origin: germline.
Comment: The p.K296E variant (also known as c.886A>G), located in coding exon 8 of the EPCAM gene, results from an A to G substitution at nucleotide position 886. The lysine at codon 296 is replaced by glutamic acid, an amino acid with similar properties. This amino acid position is conserved. In addition, the in silico prediction for this alteration is inconclusive. Based on the available evidence, the clinical significance of this variant remains unclear.

NM_002354.3(EPCAM):c.886A>G (p.Lys296Glu)

Gene: EPCAM (epithelial cell adhesion molecule; plus strand). Cytogenetic location: 2p21.
Variant type: single nucleotide variant.
Coding change: c.886A>G on transcript NM_002354.3 (MANE Select); coding-DNA position 886, A replaced by G.
Protein change: p.Lys296Glu; replaces lysine 296 with glutamic acid.
Molecular consequence: missense variant.
Genome position (GRCh38, 1-based): chr2:47,385,193, A>G. VCF-style: chr2-47385193-A-G. GRCh37 (hg19) VCF-style: chr2-47612332-A-G.
Other names: short protein forms K296E.
Identifiers: ClinVar variation 4018547 (VCV004018547.1).